The following is an entry in ClinVar:

ClinVar aggregate classification (germline): Uncertain significance. Review status: criteria provided, multiple submitters, no conflicts (2 of 4 stars). 3 submissions from 3 submitters: Uncertain significance (3). Last evaluated 2026-05-06.

Conditions:
Inborn genetic diseases. Identifiers: MedGen C0950123, MeSH D030342.

Allele frequency attached by ClinVar (database versions not stated): TOPMed below 0.00001; gnomAD 0.00003; ExAC 0.00006; gnomAD exomes 0.00006; 1000 Genomes Project 30x 0.00031.
gnomAD v4.1: 54 of 1,613,372 alleles (0.0033%); highest among the groups gnomAD compares: South Asian, 0.052%; no homozygotes.

Submissions (3):

Ambry Genetics
Classification: Uncertain significance for Inborn genetic diseases. Last evaluated: 2026-05-06. Review status: criteria provided, single submitter. Criteria: Ambry Variant Classification Scheme 2023. Collection method: clinical testing. Allele origin: germline.

Labcorp Genetics (formerly Invitae), Labcorp
Classification: Uncertain significance. Last evaluated: 2025-01-06. Review status: criteria provided, single submitter. Criteria: Invitae Variant Classification Sherloc (09022015). Collection method: clinical testing. Allele origin: germline.
Comment: This sequence change replaces leucine, which is neutral and non-polar, with valine, which is neutral and non-polar, at codon 308 of the KCNV2 protein (p.Leu308Val). This variant is present in population databases (rs778517150, gnomAD 0.05%). This variant has not been reported in the literature in individuals affected with KCNV2-related conditions. ClinVar contains an entry for this variant (Variation ID: 1379173). Invitae Evidence Modeling of protein sequence and biophysical properties (such as structural, functional, and spatial information, amino acid conservation, physicochemical variation, residue mobility, and thermodynamic stability) indicates that this missense variant is not expected to disrupt KCNV2 protein function with a negative predictive value of 95%. In summary, the available evidence is currently insufficient to determine the role of this variant in disease. Therefore, it has been classified as a Variant of Uncertain Significance.

Blueprint Genetics
Classification: Uncertain significance. Last evaluated: 2024-10-01. Review status: criteria provided, single submitter. Criteria: ACMG Guidelines, 2015. Collection method: clinical testing. Allele origin: germline.

NM_133497.4(KCNV2):c.922C>G (p.Leu308Val)

Gene: KCNV2 (potassium voltage-gated channel modifier subfamily V member 2; plus strand). Cytogenetic location: 9p24.2.
Variant type: single nucleotide variant.
Coding change: c.922C>G on transcript NM_133497.4 (MANE Select); coding-DNA position 922, C replaced by G.
Protein change: p.Leu308Val; replaces leucine 308 with valine.
Molecular consequence: missense variant.
Genome position (GRCh38, 1-based): chr9:2,718,661, C>G. VCF-style: chr9-2718661-C-G. GRCh37 (hg19) VCF-style: chr9-2718661-C-G.
Other names: c.922C>G (NM_133497.3); short protein forms L308V.
Identifiers: ClinVar variation 1379173 (VCV001379173.11), dbSNP rs778517150, ClinGen allele CA4965685.